The following is an entry in ClinVar:

ClinVar aggregate classification (germline): Uncertain significance (1 of 4 stars; one submission).

Submission:

Labcorp Genetics (formerly Invitae), Labcorp
Classification: Uncertain significance. Last evaluated: 2023-11-10. Review status: criteria provided, single submitter. Criteria: Invitae Variant Classification Sherloc (09022015). Collection method: clinical testing. Allele origin: germline.
Comment: This sequence change replaces proline, which is neutral and non-polar, with leucine, which is neutral and non-polar, at codon 767 of the HPS6 protein (p.Pro767Leu). This variant is not present in population databases (gnomAD no frequency). This variant has not been reported in the literature in individuals affected with HPS6-related conditions. Advanced modeling of protein sequence and biophysical properties (such as structural, functional, and spatial information, amino acid conservation, physicochemical variation, residue mobility, and thermodynamic stability) performed at Invitae indicates that this missense variant is not expected to disrupt HPS6 protein function with a negative predictive value of 80%. In summary, the available evidence is currently insufficient to determine the role of this variant in disease. Therefore, it has been classified as a Variant of Uncertain Significance.

NM_024747.6(HPS6):c.2300C>T (p.Pro767Leu)

Gene: HPS6 (HPS6 biogenesis of lysosomal organelles complex 2 subunit 3; plus strand). Cytogenetic location: 10q24.32.
Variant type: single nucleotide variant.
Coding change: c.2300C>T on transcript NM_024747.6 (MANE Select); coding-DNA position 2300, C replaced by T.
Protein change: p.Pro767Leu; replaces proline 767 with leucine.
Molecular consequence: missense variant.
Genome position (GRCh38, 1-based): chr10:102,067,774, C>T. VCF-style: chr10-102067774-C-T. GRCh37 (hg19) VCF-style: chr10-103827531-C-T.
Other names: short protein forms P767L.
Identifiers: ClinVar variation 2790443 (VCV002790443.3), dbSNP rs2540989185, ClinGen allele CA377878488.
Genomic context (GRCh38, chr10:102,067,774, plus strand): 5'-GATGGCTGTCGGGCCCAGTTCTAAGCCCATATGAGGACATCCTATGGGACCCCAGCACTC[C>T]ACCCCCGACTCCACCTCGGGACCTATGACTACCCTTCAGGCATCAGAACACTCAGGGCCT-3'
Protein context (NP_079023.2, residues 757-775): YEDILWDPST[Pro767Leu]PPTPPRDL